The following is an entry in ClinVar:

ClinVar aggregate classification (germline): Pathogenic (1 of 4 stars; one submission).

Submission:

Labcorp Genetics (formerly Invitae), Labcorp
Classification: Pathogenic. Last evaluated: 2022-08-20. Review status: criteria provided, single submitter. Criteria: Invitae Variant Classification Sherloc (09022015). Collection method: clinical testing. Allele origin: germline.
Comment: For these reasons, this variant has been classified as Pathogenic. This variant has not been reported in the literature in individuals affected with MEOX1-related conditions. This variant is a gross deletion of the genomic region encompassing exon(s) 1 of the MEOX1 gene, which includes the initiator codon. This deletion extends beyond the assayed region for this gene and therefore may encompass additional genes. It is expected to result in an absent or disrupted protein product. Loss-of-function variants in MEOX1 are known to be pathogenic (PMID: 23290072, 24073994).

Literature cited by the submitters: PubMed 23290072; PubMed 24073994.

NC_000017.10:g.(?_41738414)_(41738902_?)del

Gene: MEOX1 (mesenchyme homeobox 1; minus strand). Cytogenetic location: 17q21.31.
Variant type: Deletion.
Identifiers: ClinVar variation 2425148 (VCV002425148.4).